The following is an entry in ClinVar:

NM_006031.6(PCNT):c.8942G>A (p.Arg2981Gln)

Gene: PCNT (pericentrin; plus strand). Cytogenetic location: 21q22.3.
Variant type: single nucleotide variant.
Coding change: c.8942G>A on transcript NM_006031.6 (MANE Select); coding-DNA position 8942, G replaced by A.
Protein change: p.Arg2981Gln; replaces arginine 2981 with glutamine.
Molecular consequence: missense variant.
Genome position (GRCh38, 1-based): chr21:46,436,094, G>A. VCF-style: chr21-46436094-G-A. GRCh37 (hg19) VCF-style: chr21-47856007-G-A.
Other names: c.8351G>A, p.Arg2784Gln (NM_001315529.2); short protein forms R2981Q, R2784Q.
Identifiers: ClinVar variation 340537 (VCV000340537.10), dbSNP rs747159043, ClinGen allele CA10081127.

ClinVar aggregate classification (germline): Uncertain significance. Review status: criteria provided, multiple submitters, no conflicts (2 of 4 stars). 3 submissions from 3 submitters: Uncertain significance (3). Last evaluated 2026-08-31.

Conditions:
PCNT-related disorder. Also called: PCNT-related condition.
Microcephalic osteodysplastic primordial dwarfism type II (MOPD2). Also called: OSTEODYSPLASTIC PRIMORDIAL DWARFISM, TYPE II; Microcephalic osteodysplastic primordial dwarfism with tooth abnormalities; MOPD II. Identifiers: Orphanet 2637, MedGen C0432246, MONDO:0008872, OMIM 210720.

Allele frequency attached by ClinVar (database versions not stated): ExAC 0.00002; gnomAD 0.00002; gnomAD exomes 0.00003 and 0.00004; TOPMed 0.00003.
gnomAD v4.1: 41 of 1,611,860 alleles (0.0025%); highest among the groups gnomAD compares: Admixed American, 0.0033%; no homozygotes.

Submissions (3):

PreventionGenetics, part of Exact Sciences
Classification: Uncertain significance for PCNT-related condition. Last evaluated: 2026-08-31. Review status: criteria provided, single submitter. Criteria: ACMG Guidelines, 2015. Collection method: clinical testing. Allele origin: germline.
Comment: The PCNT c.8942G>A variant is predicted to result in the amino acid substitution p.Arg2981Gln. To our knowledge, this variant has not been reported in the literature. This variant is reported in 0.0074% of alleles in individuals of European (Non-Finnish) descent in gnomAD. At this time, the clinical significance of this variant is uncertain due to the absence of conclusive functional and genetic evidence.

Labcorp Genetics (formerly Invitae), Labcorp
Classification: Uncertain significance. Last evaluated: 2024-04-10. Review status: criteria provided, single submitter. Criteria: Invitae Variant Classification Sherloc (09022015). Collection method: clinical testing. Allele origin: germline.
Comment: This sequence change replaces arginine, which is basic and polar, with glutamine, which is neutral and polar, at codon 2981 of the PCNT protein (p.Arg2981Gln). This variant is present in population databases (rs747159043, gnomAD 0.007%). This variant has not been reported in the literature in individuals affected with PCNT-related conditions. ClinVar contains an entry for this variant (Variation ID: 340537). Algorithms developed to predict the effect of missense changes on protein structure and function output the following: SIFT: "Not Available"; PolyPhen-2: "Possibly Damaging"; Align-GVGD: "Not Available". The glutamine amino acid residue is found in multiple mammalian species, which suggests that this missense change does not adversely affect protein function. In summary, the available evidence is currently insufficient to determine the role of this variant in disease. Therefore, it has been classified as a Variant of Uncertain Significance.

Illumina Laboratory Services, Illumina
Classification: Uncertain significance for Microcephalic osteodysplastic primordial dwarfism type II. Last evaluated: 2018-01-12. Review status: criteria provided, single submitter. Criteria: ICSL Variant Classification Criteria 13 December 2019. Collection method: clinical testing. Allele origin: germline.